The following is an entry in ClinVar:

NM_000075.4(CDK4):c.183G>A (p.Arg61=)

Genes: CDK4 (cyclin dependent kinase 4; minus strand), LOC130008148 (ATAC-STARR-seq lymphoblastoid silent region 4588; plus strand). Cytogenetic location: 12q14.1.
Variant type: single nucleotide variant.
Coding change: c.183G>A on transcript NM_000075.4 (MANE Select); coding-DNA position 183, G replaced by A.
Protein change: p.Arg61=; no amino-acid change (arginine 61 retained).
Molecular consequence: synonymous variant.
Genome position (GRCh38, 1-based): chr12:57,751,535, C>T on the plus strand (G>A on the coding strand, the complement: CDK4 is on the minus strand). VCF-style: chr12-57751535-C-T. GRCh37 (hg19) VCF-style: chr12-58145318-C-T.
Identifiers: ClinVar variation 483292 (VCV000483292.14), dbSNP rs771902016, ClinGen allele CA6657878.

ClinVar aggregate classification (germline): Benign/Likely benign. Review status: criteria provided, multiple submitters, no conflicts (2 of 4 stars). 3 submissions from 3 submitters: Benign (1); Likely benign (2). Last evaluated 2024-12-18.

Conditions:
Hereditary cancer-predisposing syndrome. Also called: Neoplastic Syndromes, Hereditary; Tumor predisposition; Hereditary Cancer Syndrome; Hereditary neoplastic syndrome. Identifiers: Orphanet 140162, MedGen C0027672, MeSH D009386, MONDO:0015356.
Melanoma, cutaneous malignant, susceptibility to, 3. Also called: Cutaneous malignant melanoma 3. Identifiers: Orphanet 618, MedGen C1836892, MONDO:0012183, OMIM 609048.
Familial melanoma. Also called: Hereditary melanoma; Hereditary cutaneous melanoma. Identifiers: Orphanet 618, MedGen C1512419, MONDO:0018961.

Allele frequency attached by ClinVar (database versions not stated): gnomAD exomes below 0.00001; ExAC 0.00001; TOPMed 0.00001; gnomAD 0.00002.

Submissions (3):

Labcorp Genetics (formerly Invitae), Labcorp
Classification: Likely benign for Familial melanoma. Last evaluated: 2024-12-18. Review status: criteria provided, single submitter. Criteria: Invitae Variant Classification Sherloc (09022015). Collection method: clinical testing. Allele origin: germline.

Myriad Genetics, Inc.
Classification: Benign for Melanoma, cutaneous malignant, susceptibility to, 3. Last evaluated: 2024-09-24. Review status: criteria provided, single submitter. Criteria: Myriad Autosomal Dominant, Autosomal Recessive and X-Linked Classification Criteria (2023). Collection method: clinical testing. Allele origin: unknown.
Comment: This variant is considered benign. This variant is a silent/synonymous amino acid change and it is not expected to impact splicing.

Ambry Genetics
Classification: Likely benign for Hereditary cancer-predisposing syndrome. Last evaluated: 2016-12-07. Review status: criteria provided, single submitter. Criteria: Ambry Variant Classification Scheme 2023. Collection method: clinical testing. Allele origin: germline.